The following is an entry in ClinVar:

NM_153717.3(EVC):c.1441G>C (p.Ala481Pro)

Gene: EVC (EvC ciliary complex subunit 1; plus strand). Cytogenetic location: 4p16.2.
Variant type: single nucleotide variant.
Coding change: c.1441G>C on transcript NM_153717.3 (MANE Select); coding-DNA position 1441, G replaced by C.
Protein change: p.Ala481Pro; replaces alanine 481 with proline.
Molecular consequence: missense variant.
Genome position (GRCh38, 1-based): chr4:5,753,910, G>C. VCF-style: chr4-5753910-G-C. GRCh37 (hg19) VCF-style: chr4-5755637-G-C.
Other names: c.1441G>C, p.Ala481Pro (NM_001306090.2, NM_001306092.2); short protein forms A481P.
Identifiers: ClinVar variation 2043961 (VCV002043961.1), dbSNP rs1484098544, ClinGen allele CA356156260.
Genomic context (GRCh38, chr4:5,753,910, plus strand): 5'-AAACTCACGCTGGCCCAAGAGGAGGAACAGAGAAGCTTCCTGGCTGAGGCCCAGCCGACT[G>C]CTGACCCGGAAAAGTTTCTCGAGGTGACTCACATCCCCAGCCTCTGCACATGTGGGTGAG-3'
Protein context (NP_714928.1, residues 471-491): RSFLAEAQPT[Ala481Pro]DPEKFLEAFH

ClinVar aggregate classification (germline): Uncertain significance (1 of 4 stars; one submission).

Conditions:
Ellis-van Creveld syndrome (EVC). Also called: MESOECTODERMAL DYSPLASIA; EVC-Related Ellis-van Creveld Syndrome; EVC2-Related Ellis-van Creveld Syndrome; Chondroectodermal dysplasia. Identifiers: Orphanet 289, MedGen C0013903, MONDO:0009162, OMIM 225500.
Curry-Hall syndrome (WAD). Also called: WEYERS ACRODENTAL DYSOSTOSIS. Identifiers: Orphanet 952, MedGen C0457013, MONDO:0008673, OMIM 193530.

Allele frequency attached by ClinVar (database versions not stated): gnomAD 0.00001; TOPMed 0.00002.
gnomAD v4.1: 48 of 1,613,376 alleles (0.003%); highest among the groups gnomAD compares: Non-Finnish European, 0.0041%; no homozygotes.

Submission:

Labcorp Genetics (formerly Invitae), Labcorp
Classification: Uncertain significance for Curry-Hall syndrome; Ellis-van Creveld syndrome. Last evaluated: 2022-05-17. Review status: criteria provided, single submitter. Criteria: Invitae Variant Classification Sherloc (09022015). Collection method: clinical testing. Allele origin: germline.
Comment: This sequence change replaces alanine, which is neutral and non-polar, with proline, which is neutral and non-polar, at codon 481 of the EVC protein (p.Ala481Pro). This variant is present in population databases (no rsID available, gnomAD 0.0009%). This variant has not been reported in the literature in individuals affected with EVC-related conditions. Algorithms developed to predict the effect of missense changes on protein structure and function are either unavailable or do not agree on the potential impact of this missense change (SIFT: "Tolerated"; PolyPhen-2: "Possibly Damaging"; Align-GVGD: "Class C0"). In summary, the available evidence is currently insufficient to determine the role of this variant in disease. Therefore, it has been classified as a Variant of Uncertain Significance.